The following is an entry in ClinVar:

ClinVar aggregate classification (germline): Uncertain significance (1 of 4 stars; one submission).

Conditions:
Dilated cardiomyopathy 1G (CMD1G). Identifiers: Orphanet 154, MedGen C1858763, MONDO:0011400, OMIM 604145.

Submission:

Baylor Genetics
Classification: Uncertain significance for Dilated cardiomyopathy 1G. Last evaluated: 2020-01-21. Review status: criteria provided, single submitter. Criteria: ACMG Guidelines, 2015. Collection method: clinical testing. Allele origin: unknown. Affected: yes.
Comment: This variant was determined to be of uncertain significance according to ACMG Guidelines, 2015 [PMID:25741868].

NM_001267550.2(TTN):c.70195C>G (p.Leu23399Val)

Genes: TTN (titin; minus strand), TTN-AS1 (TTN antisense RNA 1; plus strand), LOC126806422 (BRD4-independent group 4 enhancer GRCh37_chr2:179440205-179441404; plus strand). Cytogenetic location: 2q31.2.
Variant type: single nucleotide variant.
Coding change: c.70195C>G on transcript NM_001267550.2 (MANE Select); coding-DNA position 70195, C replaced by G.
Protein change: p.Leu23399Val; replaces leucine 23399 with valine.
Molecular consequence: missense variant.
Genome position (GRCh38, 1-based): chr2:178,575,937, G>C on the plus strand (C>G on the coding strand, the complement: TTN is on the minus strand). VCF-style: chr2-178575937-G-C. GRCh37 (hg19) VCF-style: chr2-179440664-G-C.
Other names: c.65272C>G, p.Leu21758Val (NM_001256850.1); c.43000C>G, p.Leu14334Val (NM_003319.4); c.62491C>G, p.Leu20831Val (NM_133378.4); c.43375C>G, p.Leu14459Val (NM_133432.3); c.43576C>G, p.Leu14526Val (NM_133437.4); short protein forms L14334V, L14459V, L14526V, L20831V, L21758V, L23399V.
Identifiers: ClinVar variation 1029093 (VCV001029093.1), dbSNP rs1709920958, ClinGen allele CA349664248.